The following is an entry in ClinVar:

ClinVar aggregate classification (germline): Uncertain significance (1 of 4 stars; one submission).

Conditions:
Alzheimer disease 4 (AD4). Identifiers: Orphanet 1020, MedGen C1847200, MONDO:0011743, OMIM 606889.

Submission:

Labcorp Genetics (formerly Invitae), Labcorp
Classification: Uncertain significance for Alzheimer disease 4. Last evaluated: 2024-03-07. Review status: criteria provided, single submitter. Criteria: Invitae Variant Classification Sherloc (09022015). Collection method: clinical testing. Allele origin: germline.
Comment: This sequence change replaces isoleucine, which is neutral and non-polar, with serine, which is neutral and polar, at codon 120 of the PSEN2 protein (p.Ile120Ser). This variant is not present in population databases (gnomAD no frequency). This variant has not been reported in the literature in individuals affected with PSEN2-related conditions. An algorithm developed to predict the effect of missense changes on protein structure and function (PolyPhen-2) suggests that this variant is likely to be disruptive. Algorithms developed to predict the effect of sequence changes on RNA splicing suggest that this variant may create or strengthen a splice site. In summary, the available evidence is currently insufficient to determine the role of this variant in disease. Therefore, it has been classified as a Variant of Uncertain Significance.

NM_000447.3(PSEN2):c.359T>G (p.Ile120Ser)

Gene: PSEN2 (presenilin 2; plus strand). Cytogenetic location: 1q42.13.
Variant type: single nucleotide variant.
Coding change: c.359T>G on transcript NM_000447.3 (MANE Select); coding-DNA position 359, T replaced by G.
Protein change: p.Ile120Ser; replaces isoleucine 120 with serine.
Molecular consequence: missense variant.
Genome position (GRCh38, 1-based): chr1:226,885,540, T>G. VCF-style: chr1-226885540-T-G. GRCh37 (hg19) VCF-style: chr1-227073241-T-G.
Other names: c.359T>G, p.Ile120Ser (NM_012486.3); short protein forms I120S.
Identifiers: ClinVar variation 3645046 (VCV003645046.2).